The following is an entry in ClinVar:

NM_000016.6(ACADM):c.1075G>C (p.Ala359Pro)

Gene: ACADM (acyl-CoA dehydrogenase medium chain; plus strand). Cytogenetic location: 1p31.1.
Variant type: single nucleotide variant.
Coding change: c.1075G>C on transcript NM_000016.6 (MANE Select); coding-DNA position 1075, G replaced by C.
Protein change: p.Ala359Pro; replaces alanine 359 with proline.
Molecular consequence: missense variant.
Genome position (GRCh38, 1-based): chr1:75,761,251, G>C. VCF-style: chr1-75761251-G-C. GRCh37 (hg19) VCF-style: chr1-76226936-G-C.
Other names: c.1087G>C, p.Ala363Pro (NM_001127328.3); c.967G>C, p.Ala323Pro (NM_001286042.2); c.1174G>C, p.Ala392Pro (NM_001286043.2); c.508G>C, p.Ala170Pro (NM_001286044.2); short protein forms A170P, A392P, A323P, A359P, A363P.
Identifiers: ClinVar variation 955110 (VCV000955110.9), dbSNP rs1224909875, ClinGen allele CA340818115.
Genomic context (GRCh38, chr1:75,761,251, plus strand): 5'-AGAGCAGCTTGGGAGGTTGATTCTGGTCGTCGAAATACCTATTATGCTTCTATTGCAAAG[G>C]CATTTGCTGGAGATATTGCAAATCAGTTAGCTACTGATGCTGTGCAGATACTTGGAGGCA-3'
Protein context (NP_000007.1, residues 349-369): RNTYYASIAK[Ala359Pro]FAGDIANQLA

ClinVar aggregate classification (germline): Uncertain significance (1 of 4 stars; one submission).

Conditions:
Medium-chain acyl-coenzyme A dehydrogenase deficiency (ACADMD). Also called: MCADD; ACADM DEFICIENCY; MCADH DEFICIENCY; MCAD Deficiency; CARNITINE DEFICIENCY SECONDARY TO MEDIUM-CHAIN ACYL-CoA DEHYDROGENASE DEFICIENCY; Medium chain acyl-CoA dehydrogenase deficiency. Identifiers: Orphanet 42, MedGen C0220710, MONDO:0008721, OMIM 201450.

Submission:

Labcorp Genetics (formerly Invitae), Labcorp
Classification: Uncertain significance for Medium-chain acyl-coenzyme A dehydrogenase deficiency. Last evaluated: 2019-09-18. Review status: criteria provided, single submitter. Criteria: Invitae Variant Classification Sherloc (09022015). Collection method: clinical testing. Allele origin: germline.
Comment: This sequence change replaces alanine with proline at codon 359 of the ACADM protein (p.Ala359Pro). The alanine residue is moderately conserved and there is a small physicochemical difference between alanine and proline. This variant is not present in population databases (ExAC no frequency). This variant has not been reported in the literature in individuals with ACADM-related conditions. Algorithms developed to predict the effect of missense changes on protein structure and function are either unavailable or do not agree on the potential impact of this missense change (SIFT: "Tolerated"; PolyPhen-2: "Probably Damaging"; Align-GVGD: "Class C0"). In summary, the available evidence is currently insufficient to determine the role of this variant in disease. Therefore, it has been classified as a Variant of Uncertain Significance.